The following is an entry in ClinVar:

NM_000059.4(BRCA2):c.1368G>A (p.Glu456=)

Gene: BRCA2 (BRCA2 DNA repair associated; plus strand). Cytogenetic location: 13q13.1.
Variant type: single nucleotide variant.
Coding change: c.1368G>A on transcript NM_000059.4 (MANE Select); coding-DNA position 1368, G replaced by A.
Protein change: p.Glu456=; no amino-acid change (glutamic acid 456 retained).
Molecular consequence: synonymous variant.
Genome position (GRCh38, 1-based): chr13:32,332,846, G>A. VCF-style: chr13-32332846-G-A. GRCh37 (hg19) VCF-style: chr13-32906983-G-A.
Identifiers: ClinVar variation 427245 (VCV000427245.8), dbSNP rs747489126, ClinGen allele CA6940514.

ClinVar aggregate classification (germline): Benign. Review status: reviewed by expert panel (3 of 4 stars). 3 submissions from 3 submitters: Benign (1). 2 of the submissions do not count toward it. Last evaluated 2017-06-29.

Conditions:
Hereditary cancer-predisposing syndrome. Also called: Hereditary neoplastic syndrome; Hereditary Cancer Syndrome; Neoplastic Syndromes, Hereditary; Tumor predisposition. Identifiers: Orphanet 140162, MedGen C0027672, MeSH D009386, MONDO:0015356.
Breast-ovarian cancer, familial, susceptibility to, 2 (BROVCA2). Also called: BRCA2 Hereditary Breast and Ovarian Cancer. Identifiers: Orphanet 145, MedGen C2675520, MONDO:0012933, OMIM 612555. Disease mechanism: loss of function.

Allele frequency attached by ClinVar (database versions not stated): ExAC 0.00317.

Submissions (3):

Evidence-based Network for the Interpretation of Germline Mutant Alleles (ENIGMA)
Classification: Benign for Breast-ovarian cancer, familial, susceptibility to, 2. Last evaluated: 2017-06-29. Review status: reviewed by expert panel. Criteria: ENIGMA BRCA1/2 Classification Criteria (2017-06-29). Collection method: curation. Allele origin: germline.
Comment: Class 1 not pathogenic based on frequency >1% in an outbred sampleset. Frequency 0.0134 (Finnish), derived from ExAC (2014-12-17).

Color Diagnostics, LLC DBA Color Health
Classification: Likely benign for Hereditary cancer-predisposing syndrome. Last evaluated: 2024-12-16. Review status: criteria provided, single submitter. Criteria: ACMG Guidelines, 2015. Collection method: clinical testing. Allele origin: germline. Not counted in ClinVar's aggregate classification.

Ambry Genetics
Classification: Benign for Hereditary cancer-predisposing syndrome. Last evaluated: 2019-05-08. Review status: criteria provided, single submitter. Criteria: Ambry Variant Classification Scheme 2023. Collection method: clinical testing. Allele origin: germline. Not counted in ClinVar's aggregate classification.